The following is an entry in ClinVar:

ClinVar aggregate classification (germline): Likely benign. Review status: criteria provided, multiple submitters, no conflicts (2 of 4 stars). 2 submissions from 2 submitters: Likely benign (2). Last evaluated 2025-07-02.

Conditions:
Autosomal dominant nonsyndromic hearing loss 20. Identifiers: Orphanet 90635, MedGen C1858172, MONDO:0011480, OMIM 604717.
Baraitser-winter syndrome 2. Identifiers: Orphanet 2995, MedGen C3281235, MONDO:0013812, OMIM 614583.

Allele frequency attached by ClinVar (database versions not stated): ExAC 0.00001; gnomAD 0.00001; gnomAD exomes 0.00001; TOPMed 0.00001.
gnomAD v4.1: 10 of 1,613,970 alleles (0.00062%); highest among the groups gnomAD compares: Admixed American, 0.0033%; no homozygotes.

Submissions (2):

Labcorp Genetics (formerly Invitae), Labcorp
Classification: Likely benign for Baraitser-winter syndrome 2; Autosomal dominant nonsyndromic hearing loss 20. Last evaluated: 2025-07-02. Review status: criteria provided, single submitter. Criteria: Invitae Variant Classification Sherloc (09022015). Collection method: clinical testing. Allele origin: germline.

GeneDx
Classification: Likely benign. Last evaluated: 2018-02-02. Review status: criteria provided, single submitter. Criteria: GeneDx Variant Classification (06012015). Collection method: clinical testing. Allele origin: germline. Affected: yes.
Comment: This variant is considered likely benign or benign based on one or more of the following criteria: it is a conservative change, it occurs at a poorly conserved position in the protein, it is predicted to be benign by multiple in silico algorithms, and/or has population frequency not consistent with disease.

NM_001614.5(ACTG1):c.963G>A (p.Ala321=)

Gene: ACTG1 (actin gamma 1; minus strand). Cytogenetic location: 17q25.3.
Variant type: single nucleotide variant.
Coding change: c.963G>A on transcript NM_001614.5 (MANE Select); coding-DNA position 963, G replaced by A.
Protein change: p.Ala321=; no amino-acid change (alanine 321 retained).
Molecular consequence: synonymous variant. On other transcripts: non-coding transcript variant (1).
Genome position (GRCh38, 1-based): chr17:81,510,948, C>T on the plus strand (G>A on the coding strand, the complement: ACTG1 is on the minus strand). VCF-style: chr17-81510948-C-T. GRCh37 (hg19) VCF-style: chr17-79477974-C-T.
Other names: c.963G>A, p.Ala321= (NM_001199954.3).
Identifiers: ClinVar variation 516173 (VCV000516173.2), dbSNP rs782371233, ClinGen allele CA8835891.